The following is an entry in ClinVar:

ClinVar aggregate classification (germline): Uncertain significance (1 of 4 stars; one submission).

Conditions:
Fanconi anemia complementation group J. Also called: BRIP1-Related Fanconi Anemia. Identifiers: Orphanet 84, MedGen C1836860, MONDO:0012187, OMIM 609054.
Familial cancer of breast. Also called: BREAST CANCER, FAMILIAL; hereditary breast carcinoma; Hereditary breast cancer. Identifiers: Orphanet 227535, MedGen C0346153, MONDO:0016419, OMIM 114480. Disease mechanism: loss of function.

Submission:

Labcorp Genetics (formerly Invitae), Labcorp
Classification: Uncertain significance for Familial cancer of breast; Fanconi anemia complementation group J. Last evaluated: 2025-07-17. Review status: criteria provided, single submitter. Criteria: Invitae Variant Classification Sherloc (09022015). Collection method: clinical testing. Allele origin: germline.
Comment: This sequence change creates a premature translational stop signal (p.Glu1104*) in the BRIP1 gene. While this is not anticipated to result in nonsense mediated decay, it is expected to disrupt the last 146 amino acid(s) of the BRIP1 protein. This variant is not present in population databases (gnomAD no frequency). This variant has not been reported in the literature in individuals affected with BRIP1-related conditions. ClinVar contains an entry for this variant (Variation ID: 530336). In summary, the available evidence is currently insufficient to determine the role of this variant in disease. Therefore, it has been classified as a Variant of Uncertain Significance.

NM_032043.3(BRIP1):c.3310G>T (p.Glu1104Ter)

Gene: BRIP1 (BRCA1 interacting DNA helicase 1; minus strand). Cytogenetic location: 17q23.2.
Variant type: single nucleotide variant.
Coding change: c.3310G>T on transcript NM_032043.3 (MANE Select); coding-DNA position 3310, G replaced by T.
Protein change: p.Glu1104Ter; replaces glutamic acid 1104 with a stop codon.
Molecular consequence: nonsense.
Genome position (GRCh38, 1-based): chr17:61,683,736, C>A on the plus strand (G>T on the coding strand, the complement: BRIP1 is on the minus strand). VCF-style: chr17-61683736-C-A. GRCh37 (hg19) VCF-style: chr17-59761097-C-A.
Other names: short protein forms E1104*.
Identifiers: ClinVar variation 530336 (VCV000530336.9), dbSNP rs1555572698, ClinGen allele CA400479008.